The following is an entry in ClinVar:

ClinVar aggregate classification (germline): Conflicting classifications of pathogenicity. Review status: criteria provided, conflicting classifications (1 of 4 stars). 7 submissions from 7 submitters: Pathogenic (2); Likely pathogenic (1); Uncertain significance (3). 1 of the submissions does not count toward it. Last evaluated 2025-11-10.

Conditions:
EMD-related disorders.
Emery-Dreifuss muscular dystrophy 1, X-linked (EDMD1). Also called: SCAPULOPERONEAL SYNDROME, X-LINKED; HUMEROPERONEAL NEUROMUSCULAR DISEASE; Muscular dystrophy, tardive, Dreifuss-Emery type, with contractures; EMD-Related Emery-Dreifuss Muscular Dystrophy, X-Linked. Identifiers: MedGen CN375556, MONDO:0100531, OMIM 310300.
Cardiovascular phenotype. Identifiers: MedGen CN230736.
Emery-Dreifuss muscular dystrophy (EDMD). Also called: Scapuloperoneal syndrome, X-linked (formerly); Humeroperoneal neuromuscular disease, (formerly). Identifiers: Orphanet 261, MedGen C0410189, MONDO:0016830.
X-linked Emery-Dreifuss muscular dystrophy. Also called: Muscular dystrophy, tardive Emery-Dreifuss type, with contractures. Identifiers: Orphanet 261, Orphanet 98863, MedGen C0751337, MONDO:0010680.

Allele frequency attached by ClinVar (database versions not stated): gnomAD exomes below 0.00001.

Submissions (7):

Labcorp Genetics (formerly Invitae), Labcorp
Classification: Uncertain significance for X-linked Emery-Dreifuss muscular dystrophy. Last evaluated: 2025-11-10. Review status: criteria provided, single submitter. Criteria: Invitae Variant Classification Sherloc (09022015). Collection method: clinical testing. Allele origin: germline.
Comment: This sequence change replaces valine, which is neutral and non-polar, with alanine, which is neutral and non-polar, at codon 26 of the EMD protein (p.Val26Ala). This variant is not present in population databases (gnomAD no frequency). This missense change has been observed in individual(s) with dilated cardiomyopathy (PMID: 26899768, 38337354). It has also been observed to segregate with disease in related individuals. ClinVar contains an entry for this variant (Variation ID: 179659). Invitae Evidence Modeling of protein sequence and biophysical properties (such as structural, functional, and spatial information, amino acid conservation, physicochemical variation, residue mobility, and thermodynamic stability) indicates that this missense variant is expected to disrupt EMD protein function with a positive predictive value of 80%. In summary, the available evidence is currently insufficient to determine the role of this variant in disease. Therefore, it has been classified as a Variant of Uncertain Significance.

Ambry Genetics
Classification: Uncertain significance for Cardiovascular phenotype. Last evaluated: 2024-12-30. Review status: criteria provided, single submitter. Criteria: Ambry Variant Classification Scheme 2023. Collection method: clinical testing. Allele origin: germline.
Comment: The p.V26A variant (also known as c.77T>C), located in coding exon 1 of the EMD gene, results from a T to C substitution at nucleotide position 77. The valine at codon 26 is replaced by alanine, an amino acid with similar properties. This variant was identified in one or more individuals with features consistent with dilated cardiomyopathy and segregated with disease in at least one family in studies of individuals from a geographically isolated region (Cuenca S et al. J Heart Lung Transplant, 2016 05;35:625-35; B&aacute;ez-Ferrer N et al. J Clin Med. 2024 Jan;13(3)). This amino acid position is well conserved in available vertebrate species. In addition, this alteration is predicted to be tolerated by in silico analysis. Since supporting evidence is limited at this time, the clinical significance of this alteration remains unclear.

Unidad de Genética, Hospital Universitario de Canarias
Classification: Likely pathogenic for Emery-Dreifuss muscular dystrophy 1, X-linked. Last evaluated: 2024-09-18. Review status: criteria provided, single submitter. Criteria: ACMG Guidelines, 2015. Collection method: clinical testing. Allele origin: germline. Inheritance: X-linked recessive inheritance. Affected: yes.
Comment: The c.77T>C variant (p.Val26Ala) in the EMD gene involves the change of the amino acid valine to alanine in position 26 of the protein (rs727505029). Both amino acids present slight differences in physicochemical properties (Grantham distance: 64 [0-215]) and it is a moderately conserved residue in the available vertebrate species (PhyloP100 = 0.541). It is present at very low frequency in general population sequencing databases (GnomAD v4.0.1, 1 male hemizygote in non-Finnish Europeans, 0.0001709%) and the in silico pathogenicity predictors used for this variant are inconclusive regarding to the effect that the variant produces on the function of the protein. In the clinical database ClinVar (ID:179659) it is described as uncertain significance by 4 subscribers without conflict of interpretation. The initial description of this variant (Cuenca et al., 2016-PMID: 26899768) occurred in a cohort of 52 patients with dilated cardiomyopathy (DCM) undergoing heart transplantation. In 13 of them, the c.77T>C (p.Val26Ala) variant was detected in the EMD gene and through a haplotype study in 9 of them it was described as a founder variant from Tenerife (Canary Islands, Spain). In our center we have identified it in 25 subjects with DCM. Furthermore, all of them progressed to a DCM phenotype during the fourth decade of life, high penetrance beyond the fifth decade of life, and a high incidence of arrhythmias and heart transplantation due to severe left ventricular dysfunction, as shown in a study conducted in our center (Báez-Ferrer et al. 2024-PMID: 38673666). No Emery-Dreifuss myopathy has been described in any of our patients to this date. For all the above, we classify this variant as LIKELY PATHOGENIC according to the ACMG guidelines (PM2_supporting / PS4_very strong / PP1_strong).

Blueprint Genetics
Classification: Pathogenic for EMD-related disorders. Last evaluated: 2022-12-05. Review status: criteria provided, single submitter. Criteria: ACMG Guidelines, 2015. Collection method: clinical testing. Allele origin: germline. Affected: yes. Observed: 1 variant allele.

Laboratory for Molecular Medicine, Mass General Brigham Personalized Medicine
Classification: Uncertain significance. Last evaluated: 2014-03-24. Review status: criteria provided, single submitter. Criteria: LMM Criteria. Collection method: clinical testing. Allele origin: germline. Observed: 1 variant allele.
Comment: The Val26Ala variant in EMD has not been previously reported in individuals with cardiomyopathy or Emery-Dreifuss muscular dystrophy. Data from large population studies is insufficient to assess the frequency of this variant. Computational prediction tools and conservation analysis suggest that this variant may not imp act the protein, though this information is not predictive enough to rule out pa thogenicity. Additional information is needed to fully assess the clinical signi ficance of the Val26Ala variant.

Clinical Genetics Service, Universitary Hospital 12 de Octubre
Classification: Pathogenic for Emery-Dreifuss muscular dystrophy 1, X-linked. Review status: criteria provided, single submitter. Criteria: ACMG Guidelines, 2015. Collection method: clinical testing. Allele origin: germline. Affected: yes.

Natera, Inc.
Classification: Uncertain significance for Emery-Dreifuss muscular dystrophy. Last evaluated: 2020-08-10. Review status: no assertion criteria provided. Collection method: clinical testing. Allele origin: germline. Not counted in ClinVar's aggregate classification.

Literature cited by the submitters: PubMed 26899768 (cited by Labcorp Genetics (formerly Invitae), Labcorp and Ambry Genetics); PubMed 38337354 (cited by 3 submitters).

NM_000117.3(EMD):c.77T>C (p.Val26Ala)

Gene: EMD (emerin; plus strand). Cytogenetic location: Xq28.
Variant type: single nucleotide variant.
Coding change: c.77T>C on transcript NM_000117.3 (MANE Select); coding-DNA position 77, T replaced by C.
Protein change: p.Val26Ala; replaces valine 26 with alanine.
Molecular consequence: missense variant.
Genome position (GRCh38, 1-based): chrX:154,379,561, T>C. VCF-style: chrX-154379561-T-C. GRCh37 (hg19) VCF-style: chrX-153607921-T-C.
Other names: short protein forms V26A.
Identifiers: ClinVar variation 179659 (VCV000179659.21), dbSNP rs727505029, ClinGen allele CA184862.
Genomic context (GRCh38, chrX:154,379,561, plus strand): 5'-ATCTTTCGGATACCGAGCTGACCACCTTGCTGCGCCGGTACAACATCCCGCACGGGCCTG[T>C]AGTAGGTACGCGGCGGCGGGCGGGACCCCTTCCGGGCCCCCTCCTCGTGCTCCGCCTCGC-3'
Protein context (NP_000108.1, residues 16-36): LRRYNIPHGP[Val26Ala]VGSTRRLYEK